The following is an entry in ClinVar:

NM_000228.3(LAMB3):c.1133-22G>A

Gene: LAMB3 (laminin subunit beta 3; minus strand). Cytogenetic location: 1q32.2.
Variant type: single nucleotide variant.
Coding change: c.1133-22G>A on transcript NM_000228.3 (MANE Select); 22 bases into the intron before coding-DNA position 1133, G replaced by A.
Molecular consequence: intron variant.
Genome position (GRCh38, 1-based): chr1:209,628,212, C>T on the plus strand (G>A on the coding strand, the complement: LAMB3 is on the minus strand). VCF-style: chr1-209628212-C-T. GRCh37 (hg19) VCF-style: chr1-209801557-C-T.
Other names: c.1133-22G>A (NM_001127641.1, NM_001017402.2).
Identifiers: ClinVar variation 155999 (VCV000155999.9), dbSNP rs767847211, ClinGen allele CA1375682.

ClinVar aggregate classification (germline): Pathogenic. Review status: criteria provided, multiple submitters, no conflicts (2 of 4 stars). 3 submissions from 3 submitters: Pathogenic (3). Last evaluated 2024-06-13.

Conditions:
Amelogenesis imperfecta type 1A. Also called: Amelogenesis imperfecta, type IA; AMELOGENESIS IMPERFECTA, HYPOPLASTIC TYPE IA; Amelogenesis imperfecta local hypoplastic; Amelogenesis imperfecta, hypoplastic type. Identifiers: Orphanet 88661, MedGen C4011403, MONDO:0007094, OMIM 104530.
Junctional epidermolysis bullosa gravis of Herlitz. Also called: Herlitz-type junctional epidermolysis bullosa; EPIDERMOLYSIS BULLOSA, JUNCTIONAL 1B, SEVERE; Epidermolysis Bullosa Letalis; EPIDERMOLYSIS BULLOSA JUNCTIONALIS, HERLITZ TYPE; EPIDERMOLYSIS BULLOSA, JUNCTIONAL, HERLITZ-PEARSON TYPE; JEB-HERLITZ TYPE. Identifiers: Orphanet 79404, MedGen C0079683, MONDO:0009182, OMIM 226700.
Junctional epidermolysis bullosa, non-Herlitz type. Also called: COL17A1-Related Junctional Epidermolysis Bullosa; Epidermolysis bullosa, junctional, non-herlitz type, somatic mosaic revertant; EPIDERMOLYSIS BULLOSA, JUNCTIONAL 1A, INTERMEDIATE; Adult junctional epidermolysis bullosa; EPIDERMOLYSIS BULLOSA JUNCTIONALIS, DISENTIS TYPE; EPIDERMOLYSIS BULLOSA JUNCTIONALIS, NON-HERLITZ TYPE. Identifiers: Orphanet 251393, Orphanet 79402, Orphanet 79405, Orphanet 89840, MedGen C0268374, MONDO:0009180, OMIM 226650.

Allele frequency attached by ClinVar (database versions not stated): ExAC below 0.00001; TOPMed below 0.00001; gnomAD exomes 0.00001.
gnomAD v4.1: 18 of 1,551,976 alleles (0.0012%); highest among the groups gnomAD compares: Non-Finnish European, 0.0015%; no homozygotes.

Submissions (3):

Fulgent Genetics
Classification: Pathogenic for Amelogenesis imperfecta type 1A; Junctional epidermolysis bullosa, non-Herlitz type; Junctional epidermolysis bullosa gravis of Herlitz. Last evaluated: 2024-06-13. Review status: criteria provided, single submitter. Criteria: ACMG Guidelines, 2015. Collection method: clinical testing. Allele origin: germline.

Laboratory of Medical Genetics, National & Kapodistrian University of Athens
Classification: Pathogenic for Junctional epidermolysis bullosa gravis of Herlitz. Last evaluated: 2024-02-01. Review status: criteria provided, single submitter. Criteria: ACMG Guidelines, 2015. Collection method: curation. Allele origin: germline. Affected: no.

Labcorp Genetics (formerly Invitae), Labcorp
Classification: Pathogenic. Last evaluated: 2023-11-28. Review status: criteria provided, single submitter. Criteria: Invitae Variant Classification Sherloc (09022015). Collection method: clinical testing. Allele origin: germline.
Comment: This sequence change falls in intron 10 of the LAMB3 gene. It does not directly change the encoded amino acid sequence of the LAMB3 protein. RNA analysis indicates that this variant induces altered splicing and may result in an absent or disrupted protein product. This variant is not present in population databases (gnomAD no frequency). This variant has been observed in individuals with junctional epidermolysis bullosa (PMID: 27062385, 27375110). It is commonly reported in individuals of Hungarian ancestry (PMID: 27062385, 27375110). ClinVar contains an entry for this variant (Variation ID: 155999). Studies have shown that this variant results in retention of 20 nucleotides from intron 10 and introduces a premature termination codon (PMID: 27062385). The resulting mRNA is expected to undergo nonsense-mediated decay. For these reasons, this variant has been classified as Pathogenic.

Literature cited by the submitters: PubMed 27062385 (cited by Labcorp Genetics (formerly Invitae), Labcorp); PubMed 27375110 (cited by Labcorp Genetics (formerly Invitae), Labcorp).